The following is an entry in ClinVar:

NM_022114.4(PRDM16):c.1091G>C (p.Arg364Pro)

Gene: PRDM16 (PR/SET domain 16; plus strand). Cytogenetic location: 1p36.32.
Variant type: single nucleotide variant.
Coding change: c.1091G>C on transcript NM_022114.4 (MANE Select); coding-DNA position 1091, G replaced by C.
Protein change: p.Arg364Pro; replaces arginine 364 with proline.
Molecular consequence: missense variant.
Genome position (GRCh38, 1-based): chr1:3,405,553, G>C. VCF-style: chr1-3405553-G-C. GRCh37 (hg19) VCF-style: chr1-3322117-G-C.
Other names: c.1091G>C, p.Arg364Pro (NM_199454.3); short protein forms R364P.
Identifiers: ClinVar variation 4803758 (VCV004803758.1).

ClinVar aggregate classification (germline): Uncertain significance (1 of 4 stars; one submission).

Conditions:
Left ventricular noncompaction 8 (LVNC8). Identifiers: Orphanet 154, Orphanet 54260, MedGen C3809288, MONDO:0014152, OMIM 615373.

Submission:

Labcorp Genetics (formerly Invitae), Labcorp
Classification: Uncertain significance for Left ventricular noncompaction 8. Last evaluated: 2025-11-26. Review status: criteria provided, single submitter. Criteria: Invitae Variant Classification Sherloc (09022015). Collection method: clinical testing. Allele origin: germline.
Comment: This sequence change replaces arginine, which is basic and polar, with proline, which is neutral and non-polar, at codon 364 of the PRDM16 protein (p.Arg364Pro). This variant is not present in population databases (gnomAD no frequency). This variant has not been reported in the literature in individuals affected with PRDM16-related conditions. An algorithm developed to predict the effect of missense changes on protein structure and function (PolyPhen-2) suggests that this variant is likely to be disruptive. In summary, the available evidence is currently insufficient to determine the role of this variant in disease. Therefore, it has been classified as a Variant of Uncertain Significance.